The following is an entry in ClinVar:

ClinVar aggregate classification (germline): Uncertain significance (1 of 4 stars; one submission).

Submission:

Labcorp Genetics (formerly Invitae), Labcorp
Classification: Uncertain significance. Last evaluated: 2021-08-27. Review status: criteria provided, single submitter. Criteria: Invitae Variant Classification Sherloc (09022015). Collection method: clinical testing. Allele origin: germline.
Comment: This sequence change creates a premature translational stop signal (p.Met117Trpfs*59) in the MYLK3 gene. It is expected to result in an absent or disrupted protein product. However, the current clinical and genetic evidence is not sufficient to establish whether loss-of-function variants in MYLK3 cause disease. This variant is not present in population databases (ExAC no frequency). This variant has not been reported in the literature in individuals affected with MYLK3-related conditions. In summary, the available evidence is currently insufficient to determine the role of this variant in disease. Therefore, it has been classified as a Variant of Uncertain Significance.

NM_182493.3(MYLK3):c.348del (p.Met117fs)

Gene: MYLK3 (myosin light chain kinase 3; minus strand). Cytogenetic location: 16q11.2.
Variant type: Deletion.
Coding change: c.348del on transcript NM_182493.3 (MANE Select); coding-DNA position 348, one base deleted (G; older notation c.348delG).
Protein change: p.Met117fs; shifts the reading frame from methionine 117.
Molecular consequence: frameshift variant. On other transcripts: intron variant (1).
Genome position (GRCh38, 1-based): chr16:46,747,846, C deleted on the plus strand (G on the coding strand, the reverse complement: MYLK3 is on the minus strand); the first of 2 consecutive C bases (chr16:46,747,846-46,747,847); deleting either gives the same sequence. VCF-style (leftmost placement, unchanged base first): chr16-46747845-TC-T. GRCh37 (hg19) VCF-style: chr16-46781757-TC-T.
Other names: c.-113-7699del (NM_001308301.1); short protein forms M117fs.
Identifiers: ClinVar variation 1364120 (VCV001364120.6), dbSNP rs2143017185, ClinGen allele CA2573152350.
Genomic context (GRCh38, chr16:46,747,845, plus strand): 5'-CCTTTGATTTCTGGAACGTGGCCCCCACCAAAGCGATGGCCCTGTCCACCGCAGCCACCA[TC>T]CTGAAGAGGGCCTCCAGCCTGGCACCGTGCTGGGCCGCATCCTGCTGCATGGCCCTCACC-3'